The following is an entry in ClinVar:

NM_000047.3(ARSL):c.30T>A (p.Cys10Ter)

Gene: ARSL (arylsulfatase L; minus strand). Cytogenetic location: Xp22.33.
Variant type: single nucleotide variant.
Coding change: c.30T>A on transcript NM_000047.3 (MANE Select); coding-DNA position 30, T replaced by A.
Protein change: p.Cys10Ter; replaces cysteine 10 with a stop codon.
Molecular consequence: nonsense. On other transcripts: intron variant (1).
Genome position (GRCh38, 1-based): chrX:2,958,429, A>T on the plus strand (T>A on the coding strand, the complement: ARSL is on the minus strand). VCF-style: chrX-2958429-A-T. GRCh37 (hg19) VCF-style: chrX-2876470-A-T.
Other names: c.105T>A, p.Cys35Ter (NM_001282628.2, NM_001369080.1); c.57T>A, p.Cys19Ter (NM_001369079.1); c.23+1949T>A (NM_001282631.2); short protein forms C35*, C10*, C19*.
Identifiers: ClinVar variation 3721569 (VCV003721569.2).

ClinVar aggregate classification (germline): Pathogenic (1 of 4 stars; one submission).

Conditions:
Chondrodysplasia punctata, brachytelephalangic, autosomal. Also called: BRACHYTELEPHALANGIC CHONDRODYSPLASIA PUNCTATA. Identifiers: MedGen C1844853, MONDO:0011238, OMIM 602497.

Submission:

Labcorp Genetics (formerly Invitae), Labcorp
Classification: Pathogenic for Chondrodysplasia punctata, brachytelephalangic, autosomal. Last evaluated: 2024-10-07. Review status: criteria provided, single submitter. Criteria: Invitae Variant Classification Sherloc (09022015). Collection method: clinical testing. Allele origin: germline.
Comment: This sequence change creates a premature translational stop signal (p.Cys10*) in the ARSE gene. It is expected to result in an absent or disrupted protein product. Loss-of-function variants in ARSE are known to be pathogenic (PMID: 9497243, 23470839). This variant is not present in population databases (gnomAD no frequency). This variant has not been reported in the literature in individuals affected with ARSE-related conditions. Algorithms developed to predict the effect of sequence changes on RNA splicing suggest that this variant may disrupt the consensus splice site. For these reasons, this variant has been classified as Pathogenic.

Literature cited by the submitters: PubMed 9497243; PubMed 23470839.